The following is an entry in ClinVar:

NM_004304.5(ALK):c.1864A>T (p.Ile622Phe)

Gene: ALK (ALK receptor tyrosine kinase; minus strand). Cytogenetic location: 2p23.2.
Variant type: single nucleotide variant.
Coding change: c.1864A>T on transcript NM_004304.5 (MANE Select); coding-DNA position 1864, A replaced by T.
Protein change: p.Ile622Phe; replaces isoleucine 622 with phenylalanine.
Molecular consequence: missense variant.
Genome position (GRCh38, 1-based): chr2:29,275,450, T>A on the plus strand (A>T on the coding strand, the complement: ALK is on the minus strand). VCF-style: chr2-29275450-T-A. GRCh37 (hg19) VCF-style: chr2-29498316-T-A.
Other names: c.1864A>T (NM_004304.4); short protein forms I622F.
Identifiers: ClinVar variation 2042984 (VCV002042984.5), dbSNP rs2465332174, ClinGen allele CA346479954.

ClinVar aggregate classification (germline): Uncertain significance. Review status: criteria provided, multiple submitters, no conflicts (2 of 4 stars). 2 submissions from 2 submitters: Uncertain significance (2). Last evaluated 2025-12-03.

Conditions:
Neuroblastoma, susceptibility to, 3. Also called: ALK-Related Neuroblastic Tumor Susceptibility. Identifiers: Orphanet 635, MedGen C2751681, MONDO:0013083, OMIM 613014.
Hereditary cancer-predisposing syndrome. Also called: Hereditary Cancer Syndrome; Tumor predisposition; Neoplastic Syndromes, Hereditary; Hereditary neoplastic syndrome. Identifiers: Orphanet 140162, MedGen C0027672, MeSH D009386, MONDO:0015356.

Allele frequency attached by ClinVar (database versions not stated): gnomAD exomes 0.00001.
gnomAD v4.1: 9 of 1,614,168 alleles (0.00056%); highest among the groups gnomAD compares: Non-Finnish European, 0.00076%; no homozygotes.

Submissions (2):

Ambry Genetics
Classification: Uncertain significance for Hereditary cancer-predisposing syndrome. Last evaluated: 2025-12-03. Review status: criteria provided, single submitter. Criteria: Ambry Variant Classification Scheme 2023. Collection method: clinical testing. Allele origin: germline.
Comment: The p.I622F variant (also known as c.1864A>T), located in coding exon 10 of the ALK gene, results from an A to T substitution at nucleotide position 1864. The isoleucine at codon 622 is replaced by phenylalanine, an amino acid with highly similar properties. This amino acid position is conserved. In addition, this alteration is predicted to be tolerated by in silico analysis. Based on the available evidence, the clinical significance of this variant remains unclear.

Labcorp Genetics (formerly Invitae), Labcorp
Classification: Uncertain significance for Neuroblastoma, susceptibility to, 3. Last evaluated: 2023-12-02. Review status: criteria provided, single submitter. Criteria: Invitae Variant Classification Sherloc (09022015). Collection method: clinical testing. Allele origin: germline.
Comment: This sequence change replaces isoleucine, which is neutral and non-polar, with phenylalanine, which is neutral and non-polar, at codon 622 of the ALK protein (p.Ile622Phe). This variant is not present in population databases (gnomAD no frequency). This variant has not been reported in the literature in individuals affected with ALK-related conditions. ClinVar contains an entry for this variant (Variation ID: 2042984). An algorithm developed to predict the effect of missense changes on protein structure and function (PolyPhen-2) suggests that this variant is likely to be tolerated. In summary, the available evidence is currently insufficient to determine the role of this variant in disease. Therefore, it has been classified as a Variant of Uncertain Significance.